The following is an entry in ClinVar:

ClinVar aggregate classification (germline): Conflicting classifications of pathogenicity. Review status: criteria provided, conflicting classifications (1 of 4 stars). 5 submissions from 5 submitters: Uncertain significance (2); Benign (1); Likely benign (1). 1 of the submissions does not count toward it. Last evaluated 2025-12-26.

Conditions:
Hereditary cancer-predisposing syndrome. Also called: Neoplastic Syndromes, Hereditary; Hereditary neoplastic syndrome; Tumor predisposition; Hereditary Cancer Syndrome. Identifiers: Orphanet 140162, MedGen C0027672, MeSH D009386, MONDO:0015356.
Peutz-Jeghers syndrome (PJS). Also called: POLYPOSIS, HAMARTOMATOUS INTESTINAL; POLYPS-AND-SPOTS SYNDROME; Peutz-Jeghers polyposis; Periorificial lentiginosis syndrome. Identifiers: Orphanet 2869, MedGen C0031269, MeSH D010580, MONDO:0008280, OMIM 175200.

Allele frequency attached by ClinVar (database versions not stated): gnomAD exomes 0.00001 and below 0.00001; TOPMed 0.00001.

Submissions (5):

Ambry Genetics
Classification: Benign for Hereditary cancer-predisposing syndrome. Last evaluated: 2025-12-26. Review status: criteria provided, single submitter. Criteria: Ambry Variant Classification Scheme 2023. Collection method: clinical testing. Allele origin: germline.

Labcorp Genetics (formerly Invitae), Labcorp
Classification: Likely benign for Peutz-Jeghers syndrome. Last evaluated: 2024-07-03. Review status: criteria provided, single submitter. Criteria: Invitae Variant Classification Sherloc (09022015). Collection method: clinical testing. Allele origin: germline.

Genome-Nilou Lab
Classification: Uncertain significance for Peutz-Jeghers syndrome. Last evaluated: 2021-07-15. Review status: criteria provided, single submitter. Criteria: ACMG Guidelines, 2015. Collection method: clinical testing. Allele origin: germline. Affected: no.

Color Diagnostics, LLC DBA Color Health
Classification: Uncertain significance for Hereditary cancer-predisposing syndrome. Last evaluated: 2019-04-11. Review status: criteria provided, single submitter. Criteria: ACMG Guidelines, 2015. Collection method: clinical testing. Allele origin: germline.

ITMI
No classification provided. Condition: AllHighlyPenetrant. Last evaluated: 2013-09-19. Review status: no classification provided. Collection method: reference population. Allele origin: germline. Not counted in ClinVar's aggregate classification.
Comment: Please see associated publication for description of ethnicities

Literature cited by the submitters: PubMed 24728327 (cited by ITMI).

NM_000455.5(STK11):c.1072G>A (p.Asp358Asn)

Genes: STK11 (serine/threonine kinase 11; plus strand), LOC130062899 (ATAC-STARR-seq lymphoblastoid active region 13597; plus strand). Cytogenetic location: 19p13.3.
Variant type: single nucleotide variant.
Coding change: c.1072G>A on transcript NM_000455.5 (MANE Select); coding-DNA position 1072, G replaced by A.
Protein change: p.Asp358Asn; replaces aspartic acid 358 with asparagine.
Molecular consequence: missense variant.
Genome position (GRCh38, 1-based): chr19:1,223,136, G>A. VCF-style: chr19-1223136-G-A. GRCh37 (hg19) VCF-style: chr19-1223135-G-A.
Other names: short protein forms D358N.
Identifiers: ClinVar variation 135278 (VCV000135278.13), dbSNP rs587778696, ClinGen allele CA022271.